The following is an entry in ClinVar:

NM_001329943.3(KIAA0586):c.4559C>T (p.Pro1520Leu)

Gene: KIAA0586 (KIAA0586; plus strand). Cytogenetic location: 14q23.1.
Variant type: single nucleotide variant.
Coding change: c.4559C>T on transcript NM_001329943.3 (MANE Select); coding-DNA position 4559, C replaced by T.
Protein change: p.Pro1520Leu; replaces proline 1520 with leucine.
Molecular consequence: missense variant. On other transcripts: synonymous variant (2).
Genome position (GRCh38, 1-based): chr14:58,547,844, C>T. VCF-style: chr14-58547844-C-T. GRCh37 (hg19) VCF-style: chr14-59014562-C-T.
Other names: c.4644C>T, p.Ala1548= (NM_001329944.2); c.4238C>T, p.Pro1413Leu (NM_001329945.2); c.4493C>T, p.Pro1498Leu (NM_001329946.2); c.4427C>T, p.Pro1476Leu (NM_001329947.2, NM_001244192.2); c.4304C>T, p.Pro1435Leu (NM_001364701.2, NM_001244191.2); c.4331C>T, p.Pro1444Leu (NM_014749.5); c.4803C>T, p.Ala1601= (NM_001244189.2); c.4514C>T, p.Pro1505Leu (NM_001244190.2); and 1 more; short protein forms P1498L, P1505L, P1520L, P1444L, P1435L, P1413L, P1476L.
Identifiers: ClinVar variation 791185 (VCV000791185.10), dbSNP rs750833160, ClinGen allele CA7206445.
Genomic context (GRCh38, chr14:58,547,844, plus strand): 5'-GGAAAGCAGTGCCACTCTCCGCTTCACAGATGCCCCCTGCCAAGATGTCAGTGATGCTGC[C>T]GTCAGTGAACCTCGAGGACTGCTCTCAGTCTCTGAGTCTCAGCACAATGCAGGAGGACAT-3'
Protein context (NP_001316872.1, residues 1510-1530): MPPAKMSVML[Pro1520Leu]SVNLEDCSQS

ClinVar aggregate classification (germline): Conflicting classifications of pathogenicity. Review status: criteria provided, conflicting classifications (1 of 4 stars). 2 submissions from 2 submitters: Uncertain significance (1); Likely benign (1). Last evaluated 2025-08-17.

Conditions:
Inborn genetic diseases. Identifiers: MedGen C0950123, MeSH D030342.
Joubert syndrome 23 (JBTS23). Identifiers: Orphanet 475, MedGen C4084822, MONDO:0014664, OMIM 616490.
Short-rib thoracic dysplasia 14 with polydactyly (SRTD14). Identifiers: Orphanet 397715, MedGen C4225286, MONDO:0014688, OMIM 616546.

Allele frequency attached by ClinVar (database versions not stated): TOPMed 0.00007; gnomAD 0.00009; gnomAD exomes 0.00011.
gnomAD v4.1: 168 of 1,613,592 alleles (0.01%); highest among the groups gnomAD compares: Non-Finnish European, 0.013%; no homozygotes.

Submissions (2):

Labcorp Genetics (formerly Invitae), Labcorp
Classification: Likely benign for Joubert syndrome 23; Short-rib thoracic dysplasia 14 with polydactyly. Last evaluated: 2025-08-17. Review status: criteria provided, single submitter. Criteria: Invitae Variant Classification Sherloc (09022015). Collection method: clinical testing. Allele origin: germline.

Ambry Genetics
Classification: Uncertain significance for Inborn genetic diseases. Last evaluated: 2021-03-24. Review status: criteria provided, single submitter. Criteria: Ambry Variant Classification Scheme 2023. Collection method: clinical testing. Allele origin: germline.
Comment: The c.4331C>T (p.P1444L) alteration is located in exon 30 (coding exon 30) of the KIAA0586 gene. This alteration results from a C to T substitution at nucleotide position 4331, causing the proline (P) at amino acid position 1444 to be replaced by a leucine (L). The p.P1444L alteration is predicted to be tolerated by in silico analysis. Based on insufficient or conflicting evidence, the clinical significance of this alteration remains unclear.